The following is an entry in ClinVar:

ClinVar aggregate classification (germline): Pathogenic. Review status: criteria provided, multiple submitters, no conflicts (2 of 4 stars). 2 submissions from 2 submitters: Pathogenic (2). Last evaluated 2020-12-09.

Conditions:
Hereditary cancer-predisposing syndrome. Also called: Tumor predisposition; Hereditary Cancer Syndrome; Neoplastic Syndromes, Hereditary; Hereditary neoplastic syndrome. Identifiers: Orphanet 140162, MedGen C0027672, MeSH D009386, MONDO:0015356.

Submissions (2):

Color Diagnostics, LLC DBA Color Health
Classification: Pathogenic for Hereditary cancer-predisposing syndrome. Last evaluated: 2020-12-09. Review status: criteria provided, single submitter. Criteria: ACMG Guidelines, 2015. Collection method: clinical testing. Allele origin: germline.
Comment: This variant deletes 2 and inserts 1 nucleotide in exon 11 of the BRCA2 gene, creating a premature translation stop signal. This variant is expected to result in an absent or non-functional protein product. This variant has not been reported in individuals affected with hereditary cancer in the literature. A similar variant with a different nucleotide change but the same premature stop signal (ClinVar ID: 800652) has been reported in an individual with breast cancer (PMID: 31060517). This variant has not been identified in the general population by the Genome Aggregation Database (gnomAD). Loss of BRCA2 function is a known mechanism of disease. Based on the available evidence, this variant is classified as Pathogenic.

Ambry Genetics
Classification: Pathogenic for Hereditary cancer-predisposing syndrome. Last evaluated: 2020-09-11. Review status: criteria provided, single submitter. Criteria: Ambry Variant Classification Scheme 2023. Collection method: clinical testing. Allele origin: germline.
Comment: The c.5217_5218delTTinsC pathogenic mutation, located in coding exon 10 of the BRCA2 gene, results from the deletion of two nucleotides and insertion of one nucleotide causing a translational frameshift with a predicted alternate stop codon (p.L1740*). This alteration is expected to result in loss of function by premature protein truncation or nonsense-mediated mRNA decay. As such, this alteration is interpreted as a disease-causing mutation.

NM_000059.4(BRCA2):c.5217_5218delinsC (p.Tyr1739_Leu1740insTer)

Gene: BRCA2 (BRCA2 DNA repair associated; plus strand). Cytogenetic location: 13q13.1.
Variant type: Indel.
Coding change: c.5217_5218delinsC on transcript NM_000059.4 (MANE Select); coding-DNA positions 5217 to 5218, TT replaced by C.
Protein change: p.Tyr1739_Leu1740insTer.
Molecular consequence: frameshift variant.
Genome position (GRCh38, 1-based): chr13:32,339,572-32,339,573, TT replaced by C. VCF-style: chr13-32339572-TT-C. GRCh37 (hg19) VCF-style: chr13-32913709-TT-C.
Other names: c.5217_5218delTTinsC (NM_000059.3).
Identifiers: ClinVar variation 1331800 (VCV001331800.4), dbSNP rs886040579, ClinGen allele CA2573053812.